The following is an entry in ClinVar:

NM_001698.3(AUH):c.323T>C (p.Ile108Thr)

Gene: AUH (AU RNA binding methylglutaconyl-CoA hydratase; minus strand). Cytogenetic location: 9q22.31.
Variant type: single nucleotide variant.
Coding change: c.323T>C on transcript NM_001698.3 (MANE Select); coding-DNA position 323, T replaced by C.
Protein change: p.Ile108Thr; replaces isoleucine 108 with threonine.
Molecular consequence: missense variant. On other transcripts: 5 prime UTR variant (3).
Genome position (GRCh38, 1-based): chr9:91,356,095, A>G on the plus strand (T>C on the coding strand, the complement: AUH is on the minus strand). VCF-style: chr9-91356095-A-G. GRCh37 (hg19) VCF-style: chr9-94118377-A-G.
Other names: c.323T>C, p.Ile108Thr (NM_001306190.2); c.-5T>C (NM_001351431.2, NM_001351432.2, NM_001351433.2); c.323T>C (NM_001698.2); short protein forms I108T.
Identifiers: ClinVar variation 1064018 (VCV001064018.10), dbSNP rs531669666, ClinGen allele CA5119897.
Genomic context (GRCh38, chr9:91,356,095, plus strand): 5'-TGACAATAATATATCTTAATATTAGAAGCAAACAGTTTAATCTTTACACTCACCATTTTT[A>G]TAAGATTTTTACTGAGTGAATTTTTGCCATAAGCTCTGTTTATTCCAAGCACCACAATTC-3'
Protein context (NP_001689.1, residues 98-118): YGKNSLSKNL[Ile108Thr]KMLSKAVDAL

ClinVar aggregate classification (germline): Uncertain significance. Review status: criteria provided, multiple submitters, no conflicts (2 of 4 stars). 2 submissions from 2 submitters: Uncertain significance (2). Last evaluated 2021-10-27.

Conditions:
Inborn genetic diseases. Identifiers: MedGen C0950123, MeSH D030342.
3-methylglutaconic aciduria type 1 (MGCA1). Identifiers: Orphanet 67046, MedGen C0342727, MONDO:0009610, OMIM 250950.

Allele frequency attached by ClinVar (database versions not stated): 1000 Genomes Project 0.00020; gnomAD exomes 0.00001; 1000 Genomes Project 30x 0.00031; TOPMed 0.00001; gnomAD 0.00001; ExAC 0.00002.
gnomAD v4.1: 13 of 1,613,006 alleles (0.00081%); highest among the groups gnomAD compares: South Asian, 0.0055%; no homozygotes.

Submissions (2):

Ambry Genetics
Classification: Uncertain significance for Inborn genetic diseases. Last evaluated: 2021-10-27. Review status: criteria provided, single submitter. Criteria: Ambry Variant Classification Scheme 2023. Collection method: clinical testing. Allele origin: germline.

Labcorp Genetics (formerly Invitae), Labcorp
Classification: Uncertain significance for 3-methylglutaconic aciduria type 1. Last evaluated: 2018-06-19. Review status: criteria provided, single submitter. Criteria: Invitae Variant Classification Sherloc (09022015). Collection method: clinical testing. Allele origin: germline.
Comment: In summary, the available evidence is currently insufficient to determine the role of this variant in disease. Therefore, it has been classified as a Variant of Uncertain Significance. Algorithms developed to predict the effect of missense changes on protein structure and function are either unavailable or do not agree on the potential impact of this missense change (SIFT: "Tolerated"; PolyPhen-2: "Possibly Damaging"; Align-GVGD: "Class C15"). This variant has not been reported in the literature in individuals with AUH-related disease. This variant is present in population databases (rs531669666, ExAC 0.01%). This sequence change replaces isoleucine with threonine at codon 108 of the AUH protein (p.Ile108Thr). The isoleucine residue is weakly conserved and there is a moderate physicochemical difference between isoleucine and threonine.